The following is an entry in ClinVar:

NM_133443.4(GPT2):c.1176G>T (p.Pro392=)

Gene: GPT2 (glutamic--pyruvic transaminase 2; plus strand). Cytogenetic location: 16q11.2.
Variant type: single nucleotide variant.
Coding change: c.1176G>T on transcript NM_133443.4 (MANE Select); coding-DNA position 1176, G replaced by T.
Protein change: p.Pro392=; no amino-acid change (proline 392 retained).
Molecular consequence: synonymous variant.
Genome position (GRCh38, 1-based): chr16:46,922,380, G>T. VCF-style: chr16-46922380-G-T. GRCh37 (hg19) VCF-style: chr16-46956292-G-T.
Other names: c.876G>T, p.Pro292= (NM_001142466.3).
Identifiers: ClinVar variation 734196 (VCV000734196.29), dbSNP rs35148330, ClinGen allele CA8038806.

ClinVar aggregate classification (germline): Benign/Likely benign. Review status: criteria provided, multiple submitters, no conflicts (2 of 4 stars). 3 submissions from 3 submitters: Benign (1); Likely benign (2). Last evaluated 2024-06-26.

Allele frequency attached by ClinVar (database versions not stated): 1000 Genomes Project 30x 0.00047; 1000 Genomes Project 0.00060; TOPMed 0.00115; ESP Exome Variant Server 0.00131.
gnomAD v4.1: 349 of 1,613,568 alleles (0.022%); highest among the groups gnomAD compares: African/African-American, 0.35%; no homozygotes.

Submissions (3):

Blueprint Genetics
Classification: Likely benign. Last evaluated: 2024-06-26. Review status: criteria provided, single submitter. Criteria: ACMG Guidelines, 2015. Collection method: clinical testing. Allele origin: germline.

CeGaT Center for Human Genetics Tuebingen
Classification: Likely benign. Last evaluated: 2022-11-01. Review status: criteria provided, single submitter. Criteria: CeGaT Center For Human Genetics Tuebingen Variant Classification Criteria Version 2. Collection method: clinical testing. Allele origin: germline. Affected: yes. Observed: 1 variant allele.
Comment: GPT2: BP4, BP7

Labcorp Genetics (formerly Invitae), Labcorp
Classification: Benign. Last evaluated: 2019-12-31. Review status: criteria provided, single submitter. Criteria: Invitae Variant Classification Sherloc (09022015). Collection method: clinical testing. Allele origin: germline.